The following is an entry in ClinVar:

ClinVar aggregate classification (germline): Conflicting classifications of pathogenicity. Review status: criteria provided, conflicting classifications (1 of 4 stars). 8 submissions from 8 submitters: Uncertain significance (3); Likely benign (3). 2 of the submissions do not count toward it. Last evaluated 2026-04-17.

Conditions:
LRP2-related disorder. Also called: LRP2-related condition.
Donnai-Barrow syndrome. Also called: DBS/FOAR SYNDROME; FACIOOCULOACOUSTICORENAL SYNDROME. Identifiers: Orphanet 2143, MedGen C1857277, MONDO:0009104, OMIM 222448.
Inborn genetic diseases. Identifiers: MedGen C0950123, MeSH D030342.

Allele frequency attached by ClinVar (database versions not stated): gnomAD exomes 0.00001 and 0.00006; ExAC 0.00007; ESP Exome Variant Server 0.00008; gnomAD 0.00016 and 0.00017; TOPMed 0.00021; 1000 Genomes Project 0.00080; 1000 Genomes Project 30x 0.00125.
gnomAD v4.1: 46 of 1,614,018 alleles (0.0029%); highest among the groups gnomAD compares: African/African-American, 0.047%; no homozygotes.

Submissions (8):

PreventionGenetics, part of Exact Sciences
Classification: Uncertain significance for LRP2-related condition. Last evaluated: 2026-04-17. Review status: criteria provided, single submitter. Criteria: ACMG Guidelines, 2015. Collection method: clinical testing. Allele origin: germline.
Comment: The LRP2 c.5155G>C variant is predicted to result in the amino acid substitution p.Gly1719Arg. To our knowledge, this variant has not been reported in the literature. This variant is reported in 0.056% of alleles in individuals of African descent in gnomAD. Although we suspect that this variant may be benign, at this time, the clinical significance of this variant is uncertain due to the absence of conclusive functional and genetic evidence.

CeGaT Center for Human Genetics Tuebingen
Classification: Likely benign. Last evaluated: 2023-12-01. Review status: criteria provided, single submitter. Criteria: CeGaT Center For Human Genetics Tuebingen Variant Classification Criteria Version 2. Collection method: clinical testing. Allele origin: germline. Affected: yes. Observed: 1 variant allele.
Comment: LRP2: BP4

Blueprint Genetics
Classification: Likely benign. Last evaluated: 2023-08-31. Review status: criteria provided, single submitter. Criteria: ACMG Guidelines, 2015. Collection method: clinical testing. Allele origin: germline.

Ambry Genetics
Classification: Likely benign for Inborn genetic diseases. Last evaluated: 2022-11-10. Review status: criteria provided, single submitter. Criteria: Ambry Variant Classification Scheme 2023. Collection method: clinical testing. Allele origin: germline.

Labcorp Genetics (formerly Invitae), Labcorp
Classification: Uncertain significance. Last evaluated: 2022-11-01. Review status: criteria provided, single submitter. Criteria: Invitae Variant Classification Sherloc (09022015). Collection method: clinical testing. Allele origin: germline.
Comment: This sequence change replaces glycine, which is neutral and non-polar, with arginine, which is basic and polar, at codon 1719 of the LRP2 protein (p.Gly1719Arg). This variant is present in population databases (rs144054579, gnomAD 0.05%). This variant has not been reported in the literature in individuals affected with LRP2-related conditions. ClinVar contains an entry for this variant (Variation ID: 1061440). Advanced modeling of protein sequence and biophysical properties (such as structural, functional, and spatial information, amino acid conservation, physicochemical variation, residue mobility, and thermodynamic stability) performed at Invitae indicates that this missense variant is not expected to disrupt LRP2 protein function. Algorithms developed to predict the effect of sequence changes on RNA splicing suggest that this variant may create or strengthen a splice site. In summary, the available evidence is currently insufficient to determine the role of this variant in disease. Therefore, it has been classified as a Variant of Uncertain Significance.

Fulgent Genetics
Classification: Uncertain significance for Donnai-Barrow syndrome. Last evaluated: 2022-04-15. Review status: criteria provided, single submitter. Criteria: ACMG Guidelines, 2015. Collection method: clinical testing. Allele origin: unknown.

Clinical Genetics DNA and cytogenetics Diagnostics Lab, Erasmus MC, Erasmus Medical Center
Classification: Likely benign. Review status: no assertion criteria provided. Collection method: clinical testing. Allele origin: germline. Affected: yes. Study: VKGL Data-share Consensus. Not counted in ClinVar's aggregate classification.

Laboratory of Diagnostic Genome Analysis, Leiden University Medical Center (LUMC)
Classification: Likely benign. Review status: no assertion criteria provided. Collection method: clinical testing. Allele origin: germline. Affected: yes. Study: VKGL Data-share Consensus. Not counted in ClinVar's aggregate classification.

NM_004525.3(LRP2):c.5155G>C (p.Gly1719Arg)

Gene: LRP2 (LDL receptor related protein 2; minus strand). Cytogenetic location: 2q31.1.
Variant type: single nucleotide variant.
Coding change: c.5155G>C on transcript NM_004525.3 (MANE Select); coding-DNA position 5155, G replaced by C.
Protein change: p.Gly1719Arg; replaces glycine 1719 with arginine.
Molecular consequence: missense variant.
Genome position (GRCh38, 1-based): chr2:169,231,786, C>G on the plus strand (G>C on the coding strand, the complement: LRP2 is on the minus strand). VCF-style: chr2-169231786-C-G. GRCh37 (hg19) VCF-style: chr2-170088296-C-G.
Other names: c.5155G>C (NM_004525.2); short protein forms G1719R.
Identifiers: ClinVar variation 1061440 (VCV001061440.32), dbSNP rs144054579, ClinGen allele CA1954599.